The following is an entry in ClinVar:

NM_000553.6(WRN):c.4101T>C (p.Cys1367=)

Gene: WRN (WRN RecQ like helicase; plus strand). Cytogenetic location: 8p12.
Variant type: single nucleotide variant.
Coding change: c.4101T>C on transcript NM_000553.6 (MANE Select); coding-DNA position 4101, T replaced by C.
Protein change: p.Cys1367=; no amino-acid change (cysteine 1367 retained).
Molecular consequence: synonymous variant.
Genome position (GRCh38, 1-based): chr8:31,167,140, T>C. VCF-style: chr8-31167140-T-C. GRCh37 (hg19) VCF-style: chr8-31024656-T-C.
Identifiers: ClinVar variation 1152837 (VCV001152837.23), dbSNP rs201955394, ClinGen allele CA4705261.

ClinVar aggregate classification (germline): Likely benign. Review status: criteria provided, multiple submitters, no conflicts (2 of 4 stars). 2 submissions from 2 submitters: Likely benign (2). Last evaluated 2025-05-09.

Conditions:
Werner syndrome (WRN). Identifiers: Orphanet 902, MedGen C0043119, MONDO:0010196, OMIM 277700.

Allele frequency attached by ClinVar (database versions not stated): ExAC 0.00001; gnomAD 0.00001 and 0.00002; gnomAD exomes 0.00001; TOPMed 0.00001; 1000 Genomes Project 30x 0.00016; 1000 Genomes Project 0.00020.
gnomAD v4.1: 18 of 1,613,408 alleles (0.0011%); highest among the groups gnomAD compares: Non-Finnish European, 0.0015%; no homozygotes.

Submissions (2):

Labcorp Genetics (formerly Invitae), Labcorp
Classification: Likely benign for Werner syndrome. Last evaluated: 2025-05-09. Review status: criteria provided, single submitter. Criteria: Invitae Variant Classification Sherloc (09022015). Collection method: clinical testing. Allele origin: germline.

CeGaT Center for Human Genetics Tuebingen
Classification: Likely benign. Last evaluated: 2024-07-01. Review status: criteria provided, single submitter. Criteria: CeGaT Center For Human Genetics Tuebingen Variant Classification Criteria Version 2. Collection method: clinical testing. Allele origin: germline. Affected: yes. Observed: 1 variant allele.
Comment: WRN: BP4, BP7